The following is an entry in ClinVar:

NM_007294.4(BRCA1):c.4968C>G (p.Gly1656=)

Gene: BRCA1 (BRCA1 DNA repair associated; minus strand). Cytogenetic location: 17q21.31.
Variant type: single nucleotide variant.
Coding change: c.4968C>G on transcript NM_007294.4 (MANE Select); coding-DNA position 4968, C replaced by G.
Protein change: p.Gly1656=; no amino-acid change (glycine 1656 retained).
Molecular consequence: synonymous variant. On other transcripts: intron variant (1).
Genome position (GRCh38, 1-based): chr17:43,070,946, G>C on the plus strand (C>G on the coding strand, the complement: BRCA1 is on the minus strand). VCF-style: chr17-43070946-G-C. GRCh37 (hg19) VCF-style: chr17-41222963-G-C.
Other names: c.4827C>G, p.Gly1609= (NM_001407728.1, NM_001407729.1, NM_001407730.1 and 13 more transcripts); c.4824C>G, p.Gly1608= (NM_001407732.1, NM_001407733.1, NM_001407734.1 and 21 more transcripts); c.4821C>G, p.Gly1607= (NM_001407838.1, NM_001407839.1, NM_001407841.1 and 12 more transcripts); c.4968C>G, p.Gly1656= (NM_001407854.1, NM_001407593.1, NM_001407594.1 and 8 more transcripts); c.4965C>G, p.Gly1655= (NM_001407858.1, NM_001407859.1, NM_001407860.1 and 17 more transcripts); c.4962C>G, p.Gly1654= (NM_001407861.1, NM_001407627.1, NM_001407628.1 and 14 more transcripts); c.4767C>G, p.Gly1589= (NM_001407862.1); c.4842C>G, p.Gly1614= (NM_001407863.1, NM_001407939.1, NM_001407940.1 and 11 more transcripts); and 71 more.
Identifiers: ClinVar variation 868881 (VCV000868881.3), dbSNP rs2052360410, ClinGen allele CA500231550.

Conditions:
Breast-ovarian cancer, familial, susceptibility to, 1 (BROVCA1). Also called: BRCA1 Hereditary Breast and Ovarian Cancer; OVARIAN CANCER, SUSCEPTIBILITY TO. Identifiers: Orphanet 145, MedGen C2676676, MONDO:0011450, OMIM 604370. Disease mechanism: loss of function.

gnomAD v4.1: 1 of 1,614,120 alleles (0.000062%); highest among the groups gnomAD compares: South Asian, 0.0011%; no homozygotes.

Submission:

Brotman Baty Institute, University of Washington
No classification provided (evidence only). Condition: Breast-ovarian cancer, familial 1. Review status: no classification provided. Collection method: in vitro. Allele origin: not applicable. Functional consequence: functionally_normal.
ClinVar note: "not provided" was previously submitted as the classification for the variant. However, the classification appeared to be based only on an observation of functional data so it was converted to no classification on 2025-07-30.